The following is an entry in ClinVar:

ClinVar aggregate classification (germline): Uncertain significance (1 of 4 stars; one submission).

Conditions:
Developmental and epileptic encephalopathy. Identifiers: MedGen C5779964, MONDO:0100620.

Allele frequency attached by ClinVar (database versions not stated): gnomAD 0.00002 and 0.00003.
gnomAD v4.1: 27 of 1,608,364 alleles (0.0017%); highest among the groups gnomAD compares: African/African-American, 0.0067%; no homozygotes.

Submission:

Labcorp Genetics (formerly Invitae), Labcorp
Classification: Uncertain significance for Early-infantile DEE. Last evaluated: 2022-08-10. Review status: criteria provided, single submitter. Criteria: Invitae Variant Classification Sherloc (09022015). Collection method: clinical testing. Allele origin: germline.
Comment: This sequence change replaces threonine, which is neutral and polar, with methionine, which is neutral and non-polar, at codon 745 of the CACNA2D2 protein (p.Thr745Met). This variant is present in population databases (rs745793280, gnomAD 0.02%). This variant has not been reported in the literature in individuals affected with CACNA2D2-related conditions. ClinVar contains an entry for this variant (Variation ID: 1052783). Algorithms developed to predict the effect of missense changes on protein structure and function are either unavailable or do not agree on the potential impact of this missense change (SIFT: "Deleterious"; PolyPhen-2: "Probably Damaging"; Align-GVGD: "Class C15"). Algorithms developed to predict the effect of sequence changes on RNA splicing suggest that this variant may disrupt the consensus splice site. In summary, the available evidence is currently insufficient to determine the role of this variant in disease. Therefore, it has been classified as a Variant of Uncertain Significance.

NM_006030.4(CACNA2D2):c.2234C>T (p.Thr745Met)

Genes: CACNA2D2 (calcium voltage-gated channel auxiliary subunit alpha2delta 2; minus strand), LOC101928965 (uncharacterized LOC101928965; plus strand), LOC127898564 (CYB561D2-LOC101928965; plus strand). Cytogenetic location: 3p21.31.
Variant type: single nucleotide variant.
Coding change: c.2234C>T on transcript NM_006030.4 (MANE Select); coding-DNA position 2234, C replaced by T.
Protein change: p.Thr745Met; replaces threonine 745 with methionine.
Molecular consequence: missense variant. On other transcripts: non-coding transcript variant (3).
Genome position (GRCh38, 1-based): chr3:50,367,812, G>A on the plus strand (C>T on the coding strand, the complement: CACNA2D2 is on the minus strand). VCF-style: chr3-50367812-G-A. GRCh37 (hg19) VCF-style: chr3-50405243-G-A.
Other names: c.2234C>T, p.Thr745Met (NM_001005505.3); c.2255C>T, p.Thr752Met (NM_001174051.3); c.2027C>T, p.Thr676Met (NM_001291101.1); short protein forms T676M, T745M, T752M.
Identifiers: ClinVar variation 1052783 (VCV001052783.3), dbSNP rs745793280, ClinGen allele CA2418561.